The following is an entry in ClinVar:

NM_005573.4(LMNB1):c.1035G>T (p.Glu345Asp)

Gene: LMNB1 (lamin B1; plus strand). Cytogenetic location: 5q23.2.
Variant type: single nucleotide variant.
Coding change: c.1035G>T on transcript NM_005573.4 (MANE Select); coding-DNA position 1035, G replaced by T.
Protein change: p.Glu345Asp; replaces glutamic acid 345 with aspartic acid.
Molecular consequence: missense variant. On other transcripts: non-coding transcript variant (2).
Genome position (GRCh38, 1-based): chr5:126,819,017, G>T. VCF-style: chr5-126819017-G-T. GRCh37 (hg19) VCF-style: chr5-126154709-G-T.
Other names: c.405G>T, p.Glu135Asp (NM_001198557.2); short protein forms E135D, E345D.
Identifiers: ClinVar variation 3902790 (VCV003902790.1).
Genomic context (GRCh38, chr5:126,819,017, plus strand): 5'-GGACTTGCTTGCTAAAGAAAAAGACAACTCTCGTCGCATGCTGACAGACAAAGAGAGAGA[G>T]ATGGCGGAAATAAGGGATCAAATGCAGCAACAGCTGAATGACTATGAACAGCTTCTTGAT-3'
Protein context (NP_005564.1, residues 335-355): SRRMLTDKER[Glu345Asp]MAEIRDQMQQ

ClinVar aggregate classification (germline): Uncertain significance (1 of 4 stars; one submission).

gnomAD v4.1: 12 of 1,614,134 alleles (0.00074%); highest among the groups gnomAD compares: Non-Finnish European, 0.001%; no homozygotes.

Submission:

Women's Health and Genetics/Laboratory Corporation of America, LabCorp
Classification: Uncertain significance. Last evaluated: 2025-05-20. Review status: criteria provided, single submitter. Criteria: LabCorp Variant Classification Summary - May 2015. Collection method: clinical testing. Allele origin: germline.
Comment: Variant summary: LMNB1 c.1035G>T (p.Glu345Asp) results in a conservative amino acid change in the encoded protein sequence. Algorithms developed to predict the effect of missense changes on protein structure and function are either unavailable or do not agree on the potential impact of this missense change. The variant was absent in 251338 control chromosomes. The available data on variant occurrences in the general population are insufficient to allow any conclusion about variant significance. To our knowledge, no occurrence of c.1035G>T in individuals affected with LMNB1-Related Disorders and no experimental evidence demonstrating its impact on protein function have been reported. No submitters have cited clinical-significance assessments for this variant to ClinVar. Based on the evidence outlined above, the variant was classified as uncertain significance.